The following is an entry in ClinVar:

NM_001039.4(SCNN1G):c.539G>A (p.Arg180Gln)

Gene: SCNN1G (sodium channel epithelial 1 subunit gamma; plus strand). Cytogenetic location: 16p12.2.
Variant type: single nucleotide variant.
Coding change: c.539G>A on transcript NM_001039.4 (MANE Select); coding-DNA position 539, G replaced by A.
Protein change: p.Arg180Gln; replaces arginine 180 with glutamine.
Molecular consequence: missense variant.
Genome position (GRCh38, 1-based): chr16:23,189,592, G>A. VCF-style: chr16-23189592-G-A. GRCh37 (hg19) VCF-style: chr16-23200913-G-A.
Other names: short protein forms R180Q.
Identifiers: ClinVar variation 318351 (VCV000318351.10), dbSNP rs546893551, ClinGen allele CA7959591.

ClinVar aggregate classification (germline): Uncertain significance. Review status: criteria provided, multiple submitters, no conflicts (2 of 4 stars). 4 submissions from 3 submitters: Uncertain significance (4). Last evaluated 2023-10-24.

Conditions:
Bronchiectasis with or without elevated sweat chloride 3 (BESC3). Identifiers: Orphanet 60033, MedGen C2751324, MONDO:0013112, OMIM 613071.
Liddle syndrome 2. Identifiers: MedGen C4748251, MONDO:0020854, OMIM 618114.
Pseudohypoaldosteronism, type IB1, autosomal recessive. Also called: Pseudohypoaldosteronism, Type I, Autosomal Recessive; PHA I, AUTOSOMAL RECESSIVE; Pseudohypoaldosteronism, Type I, Recessive; Autosomal recessive pseudohypoaldosteronism type 1. Identifiers: Orphanet 171876, Orphanet 756, MedGen C5774176, MONDO:0009917, OMIM 264350.

Allele frequency attached by ClinVar (database versions not stated): ExAC 0.00003; gnomAD exomes 0.00005; gnomAD 0.00006; TOPMed 0.00006; 1000 Genomes Project 0.00020; 1000 Genomes Project 30x 0.00031.
gnomAD v4.1: 146 of 1,614,234 alleles (0.009%); highest among the groups gnomAD compares: Non-Finnish European, 0.011%; no homozygotes.

Submissions (4):

Labcorp Genetics (formerly Invitae), Labcorp
Classification: Uncertain significance. Last evaluated: 2023-10-24. Review status: criteria provided, single submitter. Criteria: Invitae Variant Classification Sherloc (09022015). Collection method: clinical testing. Allele origin: germline.
Comment: This sequence change replaces arginine, which is basic and polar, with glutamine, which is neutral and polar, at codon 180 of the SCNN1G protein (p.Arg180Gln). This variant is present in population databases (rs546893551, gnomAD 0.009%). This variant has not been reported in the literature in individuals affected with SCNN1G-related conditions. ClinVar contains an entry for this variant (Variation ID: 318351). An algorithm developed to predict the effect of missense changes on protein structure and function (PolyPhen-2) suggests that this variant is likely to be tolerated. In summary, the available evidence is currently insufficient to determine the role of this variant in disease. Therefore, it has been classified as a Variant of Uncertain Significance.

Fulgent Genetics
Classification: Uncertain significance for Pseudohypoaldosteronism, type IB1, autosomal recessive; Bronchiectasis with or without elevated sweat chloride 3; Liddle syndrome 2. Last evaluated: 2022-02-22. Review status: criteria provided, single submitter. Criteria: ACMG Guidelines, 2015. Collection method: clinical testing. Allele origin: unknown.

Illumina Laboratory Services, Illumina
Classification: Uncertain significance for Liddle syndrome 2. Last evaluated: 2018-01-13. Review status: criteria provided, single submitter. Criteria: ICSL Variant Classification Criteria 13 December 2019. Collection method: clinical testing. Allele origin: germline.

Illumina Laboratory Services, Illumina
Classification: Uncertain significance for Pseudohypoaldosteronism, type IB1, autosomal recessive. Last evaluated: 2018-01-13. Review status: criteria provided, single submitter. Criteria: ICSL Variant Classification Criteria 13 December 2019. Collection method: clinical testing. Allele origin: germline.